The following is an entry in ClinVar:

NM_024675.4(PALB2):c.1462A>G (p.Ser488Gly)

Gene: PALB2 (partner and localizer of BRCA2; minus strand). Cytogenetic location: 16p12.2.
Variant type: single nucleotide variant.
Coding change: c.1462A>G on transcript NM_024675.4 (MANE Select); coding-DNA position 1462, A replaced by G.
Protein change: p.Ser488Gly; replaces serine 488 with glycine.
Molecular consequence: missense variant.
Genome position (GRCh38, 1-based): chr16:23,635,084, T>C on the plus strand (A>G on the coding strand, the complement: PALB2 is on the minus strand). VCF-style: chr16-23635084-T-C. GRCh37 (hg19) VCF-style: chr16-23646405-T-C.
Other names: short protein forms S488G.
Identifiers: ClinVar variation 418396 (VCV000418396.19), dbSNP rs753124503, ClinGen allele CA7963706.

ClinVar aggregate classification (germline): Uncertain significance. Review status: criteria provided, multiple submitters, no conflicts (2 of 4 stars). 4 submissions from 4 submitters: Uncertain significance (4). Last evaluated 2025-10-06.

Conditions:
Hereditary cancer-predisposing syndrome. Also called: Hereditary neoplastic syndrome; Tumor predisposition; Neoplastic Syndromes, Hereditary; Hereditary Cancer Syndrome. Identifiers: Orphanet 140162, MedGen C0027672, MeSH D009386, MONDO:0015356.
Familial cancer of breast. Also called: Hereditary breast cancer; BREAST CANCER, FAMILIAL; hereditary breast carcinoma. Identifiers: Orphanet 227535, MedGen C0346153, MONDO:0016419, OMIM 114480. Disease mechanism: loss of function.

Allele frequency attached by ClinVar (database versions not stated): gnomAD exomes below 0.00001 and 0.00001; ExAC 0.00001; TOPMed 0.00001.
gnomAD v4.1: 3 of 1,614,184 alleles (0.00019%); highest among the groups gnomAD compares: East Asian, 0.0045%; no homozygotes.

Submissions (4):

Labcorp Genetics (formerly Invitae), Labcorp
Classification: Uncertain significance for Familial cancer of breast. Last evaluated: 2025-10-06. Review status: criteria provided, single submitter. Criteria: Invitae Variant Classification Sherloc (09022015). Collection method: clinical testing. Allele origin: germline.
Comment: This sequence change replaces serine, which is neutral and polar, with glycine, which is neutral and non-polar, at codon 488 of the PALB2 protein (p.Ser488Gly). This variant is present in population databases (rs753124503, gnomAD 0.01%). This variant has not been reported in the literature in individuals affected with PALB2-related conditions. ClinVar contains an entry for this variant (Variation ID: 418396). Invitae Evidence Modeling of protein sequence and biophysical properties (such as structural, functional, and spatial information, amino acid conservation, physicochemical variation, residue mobility, and thermodynamic stability) indicates that this missense variant is not expected to disrupt PALB2 protein function with a negative predictive value of 80%. In summary, the available evidence is currently insufficient to determine the role of this variant in disease. Therefore, it has been classified as a Variant of Uncertain Significance.

Ambry Genetics
Classification: Uncertain significance for Hereditary cancer-predisposing syndrome. Last evaluated: 2024-09-15. Review status: criteria provided, single submitter. Criteria: Ambry Variant Classification Scheme 2023. Collection method: clinical testing. Allele origin: germline.
Comment: The p.S488G variant (also known as c.1462A>G), located in coding exon 4 of the PALB2 gene, results from an A to G substitution at nucleotide position 1462. The serine at codon 488 is replaced by glycine, an amino acid with similar properties. This amino acid position is poorly conserved in available vertebrate species. In addition, this alteration is predicted to be tolerated by in silico analysis. Since supporting evidence is limited at this time, the clinical significance of this alteration remains unclear.

Color Diagnostics, LLC DBA Color Health
Classification: Uncertain significance for Hereditary cancer-predisposing syndrome. Last evaluated: 2022-09-08. Review status: criteria provided, single submitter. Criteria: ACMG Guidelines, 2015. Collection method: clinical testing. Allele origin: germline.
Comment: This missense variant replaces serine with glycine at codon 488 of the PALB2 protein. Computational prediction suggests that this variant may not impact protein structure and function (internally defined REVEL score threshold <= 0.5, PMID: 27666373). To our knowledge, functional studies have not been reported for this variant. This variant has been detected in a breast cancer case-control meta-analysis in 3/60466 cases and 5/53461 unaffected individuals (PMID: 33471991; Leiden Open Variation Database DB-ID PALB2_011026). This variant has been identified in 2/251390 chromosomes in the general population by the Genome Aggregation Database (gnomAD). The available evidence is insufficient to determine the role of this variant in disease conclusively. Therefore, this variant is classified as a Variant of Uncertain Significance.

GeneDx
Classification: Uncertain significance. Last evaluated: 2016-08-26. Review status: criteria provided, single submitter. Criteria: GeneDx Variant Classification (06012015). Collection method: clinical testing. Allele origin: germline. Affected: yes.
Comment: This variant is denoted PALB2 c.1462A>G at the cDNA level, p.Ser488Gly (S488G) at the protein level, and results in the change of a Serine to a Glycine (AGC>GGC). This variant has not, to our knowledge, been published in the literature as pathogenic or benign. PALB2 Ser488Gly was not observed in approximately 6,500 individuals of European and African American ancestry in the NHLBI Exome Sequencing Project, indicating it is not a common benign variant in these populations. Since Serine and Glycine differ in polarity, charge, size or other properties, this is considered a non-conservative amino acid substitution. PALB2 Ser488Gly occurs at a position that is not conserved and is located in the DNA binding region (UniProt). In silico analyses predict that this variant is unlikely to alter protein structure or function. Based on currently available information, it is unclear whether PALB2 Ser488Gly is pathogenic or benign. We consider it to be a variant of uncertain significance.

Literature cited by the submitters: PubMed 33471991 (cited by Color Diagnostics, LLC DBA Color Health).